The following is an entry in ClinVar:

ClinVar aggregate classification (germline): Uncertain significance (1 of 4 stars; one submission).

Conditions:
Intellectual developmental disorder, X-linked 1. Also called: Atkin Flaitz Patil Smith syndrome; Intellectual disability, X-linked 1; MENTAL RETARDATION, X-LINKED 18; MENTAL RETARDATION, X-LINKED 78. Identifiers: Orphanet 777, MedGen C2931498, MONDO:0010656, OMIM 309530.

gnomAD v4.1: 1 of 1,196,073 alleles (0.000084%); highest among the groups gnomAD compares: Non-Finnish European, 0.00011%; no homozygotes.

Submission:

Labcorp Genetics (formerly Invitae), Labcorp
Classification: Uncertain significance for Intellectual developmental disorder, X-linked 1. Last evaluated: 2022-10-13. Review status: criteria provided, single submitter. Criteria: Invitae Variant Classification Sherloc (09022015). Collection method: clinical testing. Allele origin: germline.
Comment: In summary, the available evidence is currently insufficient to determine the role of this variant in disease. Therefore, it has been classified as a Variant of Uncertain Significance. Advanced modeling of protein sequence and biophysical properties (such as structural, functional, and spatial information, amino acid conservation, physicochemical variation, residue mobility, and thermodynamic stability) performed at Invitae indicates that this missense variant is not expected to disrupt IQSEC2 protein function. ClinVar contains an entry for this variant (Variation ID: 1412498). This variant has not been reported in the literature in individuals affected with IQSEC2-related conditions. This variant is not present in population databases (gnomAD no frequency). This sequence change replaces glycine, which is neutral and non-polar, with aspartic acid, which is acidic and polar, at codon 283 of the IQSEC2 protein (p.Gly283Asp).

NM_001111125.3(IQSEC2):c.848G>A (p.Gly283Asp)

Gene: IQSEC2 (IQ motif and Sec7 domain ArfGEF 2; minus strand). Cytogenetic location: Xp11.22.
Variant type: single nucleotide variant.
Coding change: c.848G>A on transcript NM_001111125.3 (MANE Select); coding-DNA position 848, G replaced by A.
Protein change: p.Gly283Asp; replaces glycine 283 with aspartic acid.
Molecular consequence: missense variant.
Genome position (GRCh38, 1-based): chrX:53,255,951, C>T on the plus strand (G>A on the coding strand, the complement: IQSEC2 is on the minus strand). VCF-style: chrX-53255951-C-T. GRCh37 (hg19) VCF-style: chrX-53285133-C-T.
Other names: c.233G>A, p.Gly78Asp (NM_015075.2); short protein forms G78D, G283D.
Identifiers: ClinVar variation 1412498 (VCV001412498.6), dbSNP rs1241595562, ClinGen allele CA413171825.